The following is an entry in ClinVar:

NM_031483.7(ITCH):c.337+1G>A

Gene: ITCH (itchy E3 ubiquitin protein ligase; plus strand). Cytogenetic location: 20q11.22.
Variant type: single nucleotide variant.
Coding change: c.337+1G>A on transcript NM_031483.7 (MANE Select); the canonical splice donor site of the intron after coding-DNA position 337, G replaced by A.
Molecular consequence: splice donor variant.
Genome position (GRCh38, 1-based): chr20:34,412,640, G>A. VCF-style: chr20-34412640-G-A. GRCh37 (hg19) VCF-style: chr20-33000446-G-A.
Other names: c.337+1G>A (NM_001324197.2, NM_001324198.2, NM_001257137.3); c.7+1G>A (NM_001257138.3).
Identifiers: ClinVar variation 4718712 (VCV004718712.1).

ClinVar aggregate classification (germline): Likely pathogenic (1 of 4 stars; one submission).

Conditions:
Syndromic multisystem autoimmune disease due to ITCH deficiency. Also called: AUTOIMMUNE DISEASE, MULTISYSTEM, WITH FACIAL DYSMORPHISM. Identifiers: Orphanet 228426, MedGen C3150649, MONDO:0013245, OMIM 613385.

gnomAD v4.1: 1 of 1,604,034 alleles (0.000062%); highest among the groups gnomAD compares: Non-Finnish European, 0.000085%; no homozygotes.

Submission:

Labcorp Genetics (formerly Invitae), Labcorp
Classification: Likely pathogenic for Syndromic multisystem autoimmune disease due to ITCH deficiency. Last evaluated: 2025-04-30. Review status: criteria provided, single submitter. Criteria: Invitae Variant Classification Sherloc (09022015). Collection method: clinical testing. Allele origin: germline.
Comment: This sequence change affects a donor splice site in intron 5 of the ITCH gene. It is expected to disrupt RNA splicing. Variants that disrupt the donor or acceptor splice site typically lead to a loss of protein function (PMID: 16199547), and loss-of-function variants in ITCH are known to be pathogenic (PMID: 20170897). This variant is not present in population databases (gnomAD no frequency). This variant has not been reported in the literature in individuals affected with ITCH-related conditions. Algorithms developed to predict the effect of sequence changes on RNA splicing suggest that this variant may disrupt the consensus splice site. In summary, the currently available evidence indicates that the variant is pathogenic, but additional data are needed to prove that conclusively. Therefore, this variant has been classified as Likely Pathogenic.

Literature cited by the submitters: PubMed 16199547; PubMed 20170897.